The following is an entry in ClinVar:

NM_032193.4(RNASEH2C):c.172+5G>A

Genes: RNASEH2C (ribonuclease H2 subunit C; minus strand), LOC130006061 (ATAC-STARR-seq lymphoblastoid silent region 3553; plus strand). Cytogenetic location: 11q13.1.
Variant type: single nucleotide variant.
Coding change: c.172+5G>A on transcript NM_032193.4 (MANE Select); 5 bases into the intron after coding-DNA position 172, G replaced by A.
Molecular consequence: intron variant.
Genome position (GRCh38, 1-based): chr11:65,720,582, C>T on the plus strand (G>A on the coding strand, the complement: RNASEH2C is on the minus strand). VCF-style: chr11-65720582-C-T. GRCh37 (hg19) VCF-style: chr11-65488053-C-T.
Identifiers: ClinVar variation 1508221 (VCV001508221.3), dbSNP rs781232402, ClinGen allele CA6107817.

ClinVar aggregate classification (germline): Uncertain significance (1 of 4 stars; one submission).

Conditions:
Aicardi-Goutieres syndrome 3. Identifiers: Orphanet 51, MedGen C1835916, MONDO:0012471, OMIM 610329.

Submission:

Labcorp Genetics (formerly Invitae), Labcorp
Classification: Uncertain significance for Aicardi-Goutieres syndrome 3. Last evaluated: 2022-07-12. Review status: criteria provided, single submitter. Criteria: Invitae Variant Classification Sherloc (09022015). Collection method: clinical testing. Allele origin: germline.
Comment: This sequence change falls in intron 1 of the RNASEH2C gene. It does not directly change the encoded amino acid sequence of the RNASEH2C protein. It affects a nucleotide within the consensus splice site. This variant is not present in population databases (gnomAD no frequency). This variant has not been reported in the literature in individuals affected with RNASEH2C-related conditions. ClinVar contains an entry for this variant (Variation ID: 1508221). Variants that disrupt the consensus splice site are a relatively common cause of aberrant splicing (PMID: 17576681, 9536098). Algorithms developed to predict the effect of sequence changes on RNA splicing suggest that this variant may disrupt the consensus splice site. In summary, the available evidence is currently insufficient to determine the role of this variant in disease. Therefore, it has been classified as a Variant of Uncertain Significance.

Literature cited by the submitters: PubMed 17576681; PubMed 9536098.